The following is an entry in ClinVar:

NM_024675.4(PALB2):c.-1G>A

Gene: PALB2 (partner and localizer of BRCA2; minus strand). Cytogenetic location: 16p12.2.
Variant type: single nucleotide variant.
Coding change: c.-1G>A on transcript NM_024675.4 (MANE Select); 1 bases upstream of the start codon, G replaced by A.
Molecular consequence: 5 prime UTR variant.
Genome position (GRCh38, 1-based): chr16:23,641,158, C>T on the plus strand (G>A on the coding strand, the complement: PALB2 is on the minus strand). VCF-style: chr16-23641158-C-T. GRCh37 (hg19) VCF-style: chr16-23652479-C-T.
Other names: c.-1G>A (NM_001407296.1, NM_001407297.1, NM_001407298.1 and 5 more transcripts); c.-1744G>A (NM_001407304.1, NM_001407310.1); c.-1020G>A (NM_001407305.1, NM_001407307.1, NM_001407309.1 and 1 more transcripts); c.-869G>A (NM_001407306.1, NM_001407308.1); c.-153G>A (NM_001407312.1, NM_001407313.1).
Identifiers: ClinVar variation 918635 (VCV000918635.5), dbSNP rs1341292125, ClinGen allele CA913188760.

ClinVar aggregate classification (germline): Uncertain significance. Review status: criteria provided, multiple submitters, no conflicts (2 of 4 stars). 2 submissions from 2 submitters: Uncertain significance (2). Last evaluated 2024-11-26.

Conditions:
Hereditary cancer-predisposing syndrome. Also called: Neoplastic Syndromes, Hereditary; Tumor predisposition; Hereditary Cancer Syndrome; Hereditary neoplastic syndrome. Identifiers: Orphanet 140162, MedGen C0027672, MeSH D009386, MONDO:0015356.

gnomAD v4.1: 1 of 1,612,686 alleles (0.000062%); highest among the groups gnomAD compares: Non-Finnish European, 0.000085%; no homozygotes.

Submissions (2):

Ambry Genetics
Classification: Uncertain significance for Hereditary cancer-predisposing syndrome. Last evaluated: 2024-11-26. Review status: criteria provided, single submitter. Criteria: Ambry Variant Classification Scheme 2023. Collection method: clinical testing. Allele origin: germline.
Comment: The c.-1G>A variant is located in the 5' untranslated region (5&rsquo; UTR) of the PALB2 gene. This variant results from a G to A substitution 1 bases upstream from the first translated codon. This nucleotide position is not well conserved in available vertebrate species. Based on the available evidence, the clinical significance of this variant remains unclear.

Color Diagnostics, LLC DBA Color Health
Classification: Uncertain significance for Hereditary cancer-predisposing syndrome. Last evaluated: 2018-12-04. Review status: criteria provided, single submitter. Criteria: ACMG Guidelines, 2015. Collection method: clinical testing. Allele origin: germline.